The following is an entry in ClinVar:

NM_004517.4(ILK):c.1252T>C (p.Ser418Pro)

Genes: ILK (integrin linked kinase; plus strand), TAF10 (TATA-box binding protein associated factor 10; minus strand). Cytogenetic location: 11p15.4.
Variant type: single nucleotide variant.
Coding change: c.1252T>C on transcript NM_004517.4 (MANE Select); coding-DNA position 1252, T replaced by C.
Protein change: p.Ser418Pro; replaces serine 418 with proline.
Molecular consequence: missense variant. On other transcripts: 3 prime UTR variant (1).
Genome position (GRCh38, 1-based): chr11:6,610,504, T>C. VCF-style: chr11-6610504-T-C. GRCh37 (hg19) VCF-style: chr11-6631735-T-C.
Other names: c.1252T>C, p.Ser418Pro (NM_001014794.3, NM_001014795.3); c.1069T>C, p.Ser357Pro (NM_001278441.2); c.850T>C, p.Ser284Pro (NM_001278442.2); c.*418A>G (NM_006284.4); short protein forms S418P, S357P, S284P.
Identifiers: ClinVar variation 463180 (VCV000463180.9), dbSNP rs1554900104, ClinGen allele CA379468005.

ClinVar aggregate classification (germline): Uncertain significance (1 of 4 stars; one submission).

Conditions:
Primary familial hypertrophic cardiomyopathy (HCM). Identifiers: Orphanet 99739, MedGen C0949658, MeSH D024741, MONDO:0024573. Inheritance: Various modes of inheritance.

Allele frequency attached by ClinVar (database versions not stated): gnomAD exomes below 0.00001.

Submission:

Labcorp Genetics (formerly Invitae), Labcorp
Classification: Uncertain significance for Primary familial hypertrophic cardiomyopathy. Last evaluated: 2022-09-20. Review status: criteria provided, single submitter. Criteria: Invitae Variant Classification Sherloc (09022015). Collection method: clinical testing. Allele origin: germline.
Comment: In summary, the available evidence is currently insufficient to determine the role of this variant in disease. Therefore, it has been classified as a Variant of Uncertain Significance. Algorithms developed to predict the effect of missense changes on protein structure and function are either unavailable or do not agree on the potential impact of this missense change (SIFT: "Deleterious"; PolyPhen-2: "Probably Damaging"; Align-GVGD: "Class C0"). ClinVar contains an entry for this variant (Variation ID: 463180). This missense change has been observed in individual(s) with clinical features of ILK-related conditions (Invitae). This variant is not present in population databases (gnomAD no frequency). This sequence change replaces serine, which is neutral and polar, with proline, which is neutral and non-polar, at codon 418 of the ILK protein (p.Ser418Pro).